The following is an entry in ClinVar:

NM_004700.4(KCNQ4):c.1681G>A (p.Val561Ile)

Gene: KCNQ4 (potassium voltage-gated channel subfamily Q member 4; plus strand). Cytogenetic location: 1p34.2.
Variant type: single nucleotide variant.
Coding change: c.1681G>A on transcript NM_004700.4 (MANE Select); coding-DNA position 1681, G replaced by A.
Protein change: p.Val561Ile; replaces valine 561 with isoleucine.
Molecular consequence: missense variant.
Genome position (GRCh38, 1-based): chr1:40,835,034, G>A. VCF-style: chr1-40835034-G-A. GRCh37 (hg19) VCF-style: chr1-41300706-G-A.
Other names: c.1519G>A, p.Val507Ile (NM_172163.3); short protein forms V507I, V561I.
Identifiers: ClinVar variation 2289350 (VCV002289350.6), dbSNP rs370248473, ClinGen allele CA21086057.
Genomic context (GRCh38, chr1:40,835,034, plus strand): 5'-AAGTTCCTGGTGGCCAAAAGGAAATTCAAGGAGACACTGCGACCGTACGACGTGAAGGAC[G>A]TCATTGAGCAGTACTCAGCAGGCCACCTGGACATGCTGGGCCGGATCAAGAGCCTGCAAA-3'
Protein context (NP_004691.2, residues 551-571): ETLRPYDVKD[Val561Ile]IEQYSAGHLD

ClinVar aggregate classification (germline): Uncertain significance. Review status: criteria provided, multiple submitters, no conflicts (2 of 4 stars). 2 submissions from 2 submitters: Uncertain significance (2). Last evaluated 2025-09-25.

Conditions:
Inborn genetic diseases. Identifiers: MedGen C0950123, MeSH D030342.

Allele frequency attached by ClinVar (database versions not stated): gnomAD 0.00002; TOPMed 0.00002; gnomAD exomes 0.00004; ESP Exome Variant Server 0.00008.

Submissions (2):

Ambry Genetics
Classification: Uncertain significance for Inborn genetic diseases. Last evaluated: 2025-09-25. Review status: criteria provided, single submitter. Criteria: Ambry Variant Classification Scheme 2023. Collection method: clinical testing. Allele origin: germline.

Labcorp Genetics (formerly Invitae), Labcorp
Classification: Uncertain significance. Last evaluated: 2024-01-05. Review status: criteria provided, single submitter. Criteria: Invitae Variant Classification Sherloc (09022015). Collection method: clinical testing. Allele origin: germline.
Comment: This sequence change replaces valine, which is neutral and non-polar, with isoleucine, which is neutral and non-polar, at codon 561 of the KCNQ4 protein (p.Val561Ile). This variant is present in population databases (rs370248473, gnomAD 0.002%). This variant has not been reported in the literature in individuals affected with KCNQ4-related conditions. ClinVar contains an entry for this variant (Variation ID: 2289350). Advanced modeling of protein sequence and biophysical properties (such as structural, functional, and spatial information, amino acid conservation, physicochemical variation, residue mobility, and thermodynamic stability) performed at Invitae indicates that this missense variant is expected to disrupt KCNQ4 protein function with a positive predictive value of 95%. In summary, the available evidence is currently insufficient to determine the role of this variant in disease. Therefore, it has been classified as a Variant of Uncertain Significance.